The following is an entry in ClinVar:

ClinVar aggregate classification (germline): Uncertain significance (1 of 4 stars; one submission).

Submission:

Labcorp Genetics (formerly Invitae), Labcorp
Classification: Uncertain significance. Last evaluated: 2023-05-22. Review status: criteria provided, single submitter. Criteria: Invitae Variant Classification Sherloc (09022015). Collection method: clinical testing. Allele origin: germline.
Comment: This sequence change replaces leucine, which is neutral and non-polar, with proline, which is neutral and non-polar, at codon 382 of the SPTA1 protein (p.Leu382Pro). This variant is not present in population databases (gnomAD no frequency). This variant has not been reported in the literature in individuals affected with SPTA1-related conditions. Advanced modeling of protein sequence and biophysical properties (such as structural, functional, and spatial information, amino acid conservation, physicochemical variation, residue mobility, and thermodynamic stability) performed at Invitae indicates that this missense variant is expected to disrupt SPTA1 protein function. In summary, the available evidence is currently insufficient to determine the role of this variant in disease. Therefore, it has been classified as a Variant of Uncertain Significance.

NM_003126.4(SPTA1):c.1145T>C (p.Leu382Pro)

Gene: SPTA1 (spectrin alpha, erythrocytic 1; minus strand). Cytogenetic location: 1q23.1.
Variant type: single nucleotide variant.
Coding change: c.1145T>C on transcript NM_003126.4 (MANE Select); coding-DNA position 1145, T replaced by C.
Protein change: p.Leu382Pro; replaces leucine 382 with proline.
Molecular consequence: missense variant.
Genome position (GRCh38, 1-based): chr1:158,674,643, A>G on the plus strand (T>C on the coding strand, the complement: SPTA1 is on the minus strand). VCF-style: chr1-158674643-A-G. GRCh37 (hg19) VCF-style: chr1-158644433-A-G.
Other names: short protein forms L382P.
Identifiers: ClinVar variation 2864589 (VCV002864589.3), dbSNP rs2525296378, ClinGen allele CA343016438.